The following is an entry in ClinVar:

ClinVar aggregate classification (germline): Pathogenic/Likely pathogenic. Review status: criteria provided, multiple submitters, no conflicts (2 of 4 stars). 10 submissions from 10 submitters: Pathogenic (4); Likely pathogenic (4). 2 of the submissions do not count toward it. Last evaluated 2025-12-11.

Conditions:
ALPL-related disorder. Also called: ALPL-related disorders; ALPL-related condition.
Hypophosphatasia. Also called: Phosphoethanol-aminuria. Identifiers: Orphanet 436, MedGen C0020630, MeSH D007014, MONDO:0018570.
Infantile hypophosphatasia. Identifiers: Orphanet 247651, Orphanet 436, MedGen C0268412, MONDO:1010169, OMIM 241500, MONDO:0009427.
Adult hypophosphatasia. Identifiers: Orphanet 247676, Orphanet 436, MedGen C0268413, MONDO:1010154, OMIM 146300, MONDO:0007798.
Childhood hypophosphatasia. Identifiers: Orphanet 247667, Orphanet 436, MedGen C0220743, MONDO:1010168, OMIM 241510, MONDO:0009428.

Submissions (10):

JKU Lab, Dept of Paediatrics, Johannes Kepler University
Classification: Pathogenic for Hypophosphatasia. Last evaluated: 2025-12-11. Review status: criteria provided, single submitter. Criteria: ACMG Guidelines, 2015. Collection method: curation. Allele origin: germline. Affected: yes.
Comment: This in-frame-deletion variant is present in GnomAD 4.1 (f = 0.00002229 in the East Asian population) and affects a highly conserved amino acid, not in the active site domain. This variant has been reported in the literature in individuals affected with ALPL-related conditions (PMID:21638016).

Genomenon, Inc
Classification: Likely pathogenic for Hypophosphatasia. Last evaluated: 2025-08-29. Review status: criteria provided, single submitter. Criteria: Genomenon Sequence Variant Interpretation Standards. Collection method: curation. Allele origin: germline. Affected: yes.
Comment: ALPL p.Val217delinsAlaLys (c.650delinsCTAA) is an insertion-deletion variant that deletes the Valine at residue 217 and replaces it with two amino acids, Alanine and Lysine. This variant has been observed in at least one proband affected with hypophosphatasia (PMID:31687651;34712267;21638016;36427976). It has been observed in trans with a pathogenic variant (PMID:34712267). It is absent or not present at a significant frequency in gnomAD. In conclusion, we classify ALPL p.Val217delinsAlaLys (c.650delinsCTAA) as a likely pathogenic variant.

Labcorp Genetics (formerly Invitae), Labcorp
Classification: Pathogenic. Last evaluated: 2025-07-02. Review status: criteria provided, single submitter. Criteria: Invitae Variant Classification Sherloc (09022015). Collection method: clinical testing. Allele origin: germline.
Comment: This variant, c.650delinsCTAA , is a complex sequence change that results in the deletion of 1 and insertion of 2 amino acid(s) in the ALPL protein (p.Val217delinsAlaLys). Information on the frequency of this variant in the gnomAD database is not available, as this variant may be reported differently in the database. This variant has been observed in individual(s) with autosomal recessive hypophosphatasia (PMID: 21638016, 34712267, 36427976). In at least one individual the data is consistent with being in trans (on the opposite chromosome) from a pathogenic variant. It has also been observed to segregate with disease in related individuals. ClinVar contains an entry for this variant (Variation ID: 2915359). For these reasons, this variant has been classified as Pathogenic.

Natera, Inc.
Classification: Likely pathogenic for Hypophosphatasia. Last evaluated: 2025-05-14. Review status: criteria provided, single submitter. Criteria: Natera Variant Classification Schema (03/2026). Collection method: clinical testing. Allele origin: germline.
Comment: The c.650delinsCTAA variant in ALPL is a deletion-insertion (delins) variant predicted to replace one or more nucleotides with a different sequence. This variant is rare in the general population with a frequency below the threshold expected for the associated phenotype(s). This variant has been observed in one or more individuals affected with the associated recessive disease, as either homozygous or compound heterozygous with a second variant (PMID: 21638016, 34712267). This variant results in a change to the protein length while preserving reading frame, which may disrupt normal protein structure or function. Given the available evidence, this variant is classified as Likely Pathogenic.

Fulgent Genetics
Classification: Pathogenic for Adult hypophosphatasia; Infantile hypophosphatasia; Childhood hypophosphatasia. Last evaluated: 2024-04-15. Review status: criteria provided, single submitter. Criteria: ACMG Guidelines, 2015. Collection method: clinical testing. Allele origin: germline.

Women's Health and Genetics/Laboratory Corporation of America, LabCorp
Classification: Likely pathogenic for Hypophosphatasia. Last evaluated: 2023-11-13. Review status: criteria provided, single submitter. Criteria: LabCorp Variant Classification Summary - May 2015. Collection method: clinical testing. Allele origin: germline.
Comment: Variant summary: ALPL c.650delinsCTAA (p.Val217delinsAlaLys) results in an in-frame deletion-insertion that is predicted to delete Val amino acid and replace with Ala and Lys amino acids. Consensus agreement among computation tools predict no significant impact on normal splicing. However, these predictions have yet to be confirmed by functional studies. The variant was absent in 251464 control chromosomes (gnomAD). c.650delinsCTAA has been reported in the literature in bi-allelic individuals affected with autosomal recessive Hypophosphatasia (examples: Chang_2012, Zhang_2021,You_2022). These data indicate that the variant is likely to be associated with disease. To our knowledge, no experimental evidence demonstrating an impact on protein function has been reported. The following publications have been ascertained in the context of this evaluation (PMID: 21638016, 34712267, 31687651, 36427976). Two submitters have cited clinical-significance assessments for this variant to ClinVar after 2014. One submitter classified the variant as likely pathogenic, and one submitter classified the variant as uncertain significance. Based on the evidence outlined above, the variant was classified as likely pathogenic.

GeneDx
Classification: Likely pathogenic. Last evaluated: 2022-08-09. Review status: criteria provided, single submitter. Criteria: GeneDx Variant Classification Process June 2021. Collection method: clinical testing. Allele origin: germline. Affected: yes.
Comment: In-frame deletion of 1 amino acid and insertion of 2 amino acids in a non-repeat region; Not observed at significant frequency in large population cohorts (gnomAD); This variant is associated with the following publications: (PMID: 34712267, 21638016)

Juno Genomics, Hangzhou Juno Genomics, Inc
Classification: Pathogenic for Adult hypophosphatasia; Childhood hypophosphatasia; Infantile hypophosphatasia. Review status: criteria provided, single submitter. Criteria: ACMG Guidelines, 2015. Collection method: clinical testing. Allele origin: germline.
Comment: Absent from controls (or at extremely low frequency if recessive) in Genome Aggregation Database.;Protein length changes due to in-frame deletions/insertions in a non-repeat region or stop-loss variants.;For recessive disorders, detected in trans with a pathogenic variant.

PreventionGenetics, part of Exact Sciences
Classification: Likely pathogenic for ALPL-related condition. Last evaluated: 2024-03-21. Review status: no assertion criteria provided. Collection method: clinical testing. Allele origin: germline. Not counted in ClinVar's aggregate classification.
Comment: The ALPL c.650delinsCTAA variant is predicted to result in an in-frame deletion and insertion. This variant has been reported in the compound heterozygous state in at least three individuals with autosomal recessive perinatal hypophosphatasia (Chang et al. 2012. PubMed ID: 21638016; Zhang et al. 2021. PubMed ID: 34712267; You et al. 2022. PubMed ID: 36427976). In the heterozygous condition, this variant was reported in at least one individual with adult hypophosphatasia (Rassie and Michigami. 2019. PubMed ID: 31687651). This variant has not been reported in a large population database, indicating this variant is rare. This variant is interpreted as likely pathogenic.

Counsyl
Classification: Uncertain significance for Infantile hypophosphatasia. Last evaluated: 2017-11-17. Review status: no assertion criteria provided. Collection method: clinical testing. Allele origin: unknown. Not counted in ClinVar's aggregate classification.

Literature cited by the submitters: PubMed 21638016 (cited by 6 submitters); PubMed 31687651 (cited by Genomenon, Inc and Women's Health and Genetics/Laboratory Corporation of America, LabCorp); PubMed 34712267 (cited by 4 submitters); PubMed 36427976 (cited by 3 submitters).

NM_000478.6(ALPL):c.650delinsCTAA (p.Val217delinsAlaLys)

Gene: ALPL (alkaline phosphatase, biomineralization associated; plus strand). Cytogenetic location: 1p36.12.
Variant type: Indel.
Coding change: c.650delinsCTAA on transcript NM_000478.6 (MANE Select); coding-DNA position 650, T replaced by CTAA.
Protein change: p.Val217delinsAlaLys.
Molecular consequence: inframe indel.
Genome position (GRCh38, 1-based): chr1:21,568,105, T replaced by CTAA. VCF-style: chr1-21568105-T-CTAA. GRCh37 (hg19) VCF-style: chr1-21894598-T-CTAA.
Other names: c.485delinsCTAA, p.Val162delinsAlaLys (NM_001127501.4); c.419delinsCTAA, p.Val140delinsAlaLys (NM_001177520.3); c.650delinsCTAA, p.Val217delinsAlaLys (NM_001369803.2, NM_001369804.2, NM_001369805.2); c.650delinsCTAA (NM_000478.5, NM_000478.4); c.650delTinsCTAA (NM_000478.4).
Identifiers: ClinVar variation 555056 (VCV000555056.14), dbSNP rs1553413155, ClinGen allele CA658820988.